The following is an entry in ClinVar:

ClinVar aggregate classification (germline): Benign/Likely benign. Review status: criteria provided, multiple submitters, no conflicts (2 of 4 stars). 20 submissions from 20 submitters: Benign (7); Likely benign (10). 3 of the submissions do not count toward it. Last evaluated 2026-02-02.

Conditions:
APC-related attenuated familial adenomatous polyposis. Identifiers: MedGen CN276349, MONDO:0016613.
Gardner syndrome (GS). Also called: Gardner's syndrome; Polyposis coli and multiple hard and soft tissue tumors; Intestinal polyposis, osteomas, sebaceous cysts. Identifiers: MedGen C0017097, MONDO:0019336. Disease mechanism: loss of function.
APC-Associated Polyposis Disorders.
Hereditary cancer-predisposing syndrome. Also called: Tumor predisposition; Hereditary neoplastic syndrome; Hereditary Cancer Syndrome; Neoplastic Syndromes, Hereditary. Identifiers: Orphanet 140162, MedGen C0027672, MeSH D009386, MONDO:0015356.
Familial adenomatous polyposis 1 (FAP1). Also called: POLYPOSIS, ADENOMATOUS INTESTINAL; FAMILIAL ADENOMATOUS POLYPOSIS 1, ATTENUATED. Identifiers: MedGen C2713442, MONDO:0021056, OMIM 175100. Disease mechanism: loss of function.

Allele frequency attached by ClinVar (database versions not stated): 1000 Genomes Project 30x 0.00016; 1000 Genomes Project 0.00020; gnomAD 0.00030 and 0.00031; TOPMed 0.00031; gnomAD exomes 0.00037 and 0.00076; ExAC 0.00038; ESP Exome Variant Server 0.00069.
gnomAD v4.1: 1,151 of 1,614,102 alleles (0.071%); highest among the groups gnomAD compares: Non-Finnish European, 0.089%; 2 homozygotes.

Submissions (20):

Labcorp Genetics (formerly Invitae), Labcorp
Classification: Benign for Familial adenomatous polyposis 1. Last evaluated: 2026-02-02. Review status: criteria provided, single submitter. Criteria: Invitae Variant Classification Sherloc (09022015). Collection method: clinical testing. Allele origin: germline.

Center for Genomic Medicine, Rigshospitalet, Copenhagen University Hospital
Classification: Likely benign. Last evaluated: 2025-03-04. Review status: criteria provided, single submitter. Criteria: ACMG Guidelines, 2015. Collection method: clinical testing. Allele origin: germline.

CeGaT Center for Human Genetics Tuebingen
Classification: Likely benign. Last evaluated: 2025-03-01. Review status: criteria provided, single submitter. Criteria: CeGaT Center For Human Genetics Tuebingen Variant Classification Criteria Version 2. Collection method: clinical testing. Allele origin: germline. Affected: yes. Observed: 2 variant alleles.
Comment: APC: BP4, BP7

Blueprint Genetics
Classification: Likely benign. Last evaluated: 2024-03-06. Review status: criteria provided, single submitter. Criteria: ACMG Guidelines, 2015. Collection method: clinical testing. Allele origin: germline.

Myriad Genetics, Inc.
Classification: Benign for Familial adenomatous polyposis 1. Last evaluated: 2023-02-21. Review status: criteria provided, single submitter. Criteria: Myriad Autosomal Dominant, Autosomal Recessive and X-Linked Classification Criteria (2023). Collection method: clinical testing. Allele origin: unknown.
Comment: This variant is considered benign. This variant is a silent/synonymous amino acid change and it is not expected to impact splicing.

Quest Diagnostics Nichols Institute San Juan Capistrano
Classification: Benign. Last evaluated: 2022-08-25. Review status: criteria provided, single submitter. Criteria: Quest Diagnostics criteria. Collection method: clinical testing. Allele origin: unknown.

Sema4
Classification: Benign for Hereditary cancer-predisposing syndrome. Last evaluated: 2021-03-10. Review status: criteria provided, single submitter. Criteria: Sema4 Curation Guidelines. Collection method: curation. Allele origin: germline.

Department of Pathology and Laboratory Medicine, Sinai Health System
Classification: Likely benign. Last evaluated: 2020-06-11. Review status: criteria provided, single submitter. Criteria: ACMG Guidelines, 2015. Collection method: clinical testing. Allele origin: germline. Affected: yes.

ARUP Laboratories, Molecular Genetics and Genomics, ARUP Laboratories
Classification: Likely benign. Last evaluated: 2020-04-24. Review status: criteria provided, single submitter. Criteria: ARUP Molecular Germline Variant Investigation Process. Collection method: clinical testing. Allele origin: germline.

Genetic Services Laboratory, University of Chicago
Classification: Likely benign. Last evaluated: 2018-12-18. Review status: criteria provided, single submitter. Criteria: ACMG Guidelines, 2015. Collection method: clinical testing. Allele origin: germline. Affected: no.

PreventionGenetics, part of Exact Sciences
Classification: Benign. Last evaluated: 2017-05-23. Review status: criteria provided, single submitter. Criteria: ACMG Guidelines, 2015. Collection method: clinical testing. Allele origin: germline.

Illumina Laboratory Services, Illumina
Classification: Likely benign for APC-Associated Polyposis Disorders. Last evaluated: 2017-04-27. Review status: criteria provided, single submitter. Criteria: ICSL Variant Classification Criteria 13 December 2019. Collection method: clinical testing. Allele origin: germline.
Comment: This variant was observed as part of a predisposition screen in an ostensibly healthy population. A literature search was performed for the gene, cDNA change, and amino acid change (where applicable). No publications were found based on this search. Allele frequency data from public databases allowed determination this variant is unlikely to cause disease. Therefore, this variant is classified as likely benign.

Women's Health and Genetics/Laboratory Corporation of America, LabCorp
Classification: Benign. Last evaluated: 2016-12-16. Review status: criteria provided, single submitter. Criteria: LabCorp Variant Classification Summary - May 2015. Collection method: clinical testing. Allele origin: germline.
Comment: Variant summary: The APC c.4905G>A (p.Gly1635Gly) variant involves the alteration of a non-conserved nucleotide, resulting in a synonymous change. One in silico tool predicts a damaging outcome for this variant. 3/5 splice prediction tools predict no significant impact on normal splicing and the variant is cited in UMD as having normal splicing via RT-PCR, without evidence to independently evaluate. This variant was found in 46/121378 control chromosomes at a frequency of 0.000379, which is approximately 5 times the estimated maximal expected allele frequency of a pathogenic APC variant (0.0000714), suggesting this variant is likely a benign polymorphism. In addition, multiple clinical diagnostic laboratories/reputable databases classified this variant as benign. The variant was reported in an affected individual in the literature, without strong evidence for causality. Taken together, this variant is classified as benign.

Color Diagnostics, LLC DBA Color Health
Classification: Likely benign for Hereditary cancer-predisposing syndrome. Last evaluated: 2016-05-03. Review status: criteria provided, single submitter. Criteria: ACMG Guidelines, 2015. Collection method: clinical testing. Allele origin: germline.

Ambry Genetics
Classification: Likely benign for Hereditary cancer-predisposing syndrome. Last evaluated: 2014-10-06. Review status: criteria provided, single submitter. Criteria: Ambry Variant Classification Scheme 2023. Collection method: clinical testing. Allele origin: germline.

GeneDx
Classification: Benign. Last evaluated: 2014-02-14. Review status: criteria provided, single submitter. Criteria: GeneDx Variant Classification (06012015). Collection method: clinical testing. Allele origin: germline. Affected: yes.
Comment: This variant is considered likely benign or benign based on one or more of the following criteria: it is a conservative change, it occurs at a poorly conserved position in the protein, it is predicted to be benign by multiple in silico algorithms, and/or has population frequency not consistent with disease.

Breakthrough Genomics
Classification: Likely benign. Review status: criteria provided, single submitter. Criteria: ACMG Guidelines, 2015. Collection method: not provided. Allele origin: germline. Inheritance: Autosomal dominant inheritance. Affected: yes.

Counsyl
Classification: Likely benign for Familial adenomatous polyposis 1. Last evaluated: 2015-12-18. Review status: no assertion criteria provided. Collection method: clinical testing. Allele origin: unknown. Not counted in ClinVar's aggregate classification.

Clinical Genetics, Academic Medical Center
Classification: Likely benign. Review status: no assertion criteria provided. Collection method: clinical testing. Allele origin: germline. Affected: yes. Study: VKGL Data-share Consensus. Not counted in ClinVar's aggregate classification.

Laboratory of Diagnostic Genome Analysis, Leiden University Medical Center (LUMC)
Classification: Likely benign. Review status: no assertion criteria provided. Collection method: clinical testing. Allele origin: germline. Affected: yes. Study: VKGL Data-share Consensus. Not counted in ClinVar's aggregate classification.

Literature cited by the submitters: PubMed 27696107 (cited by 3 submitters).

NM_000038.6(APC):c.4905G>A (p.Gly1635=)

Gene: APC (APC regulator of Wnt signaling pathway; plus strand). Cytogenetic location: 5q22.2.
Variant type: single nucleotide variant.
Coding change: c.4905G>A on transcript NM_000038.6 (MANE Select); coding-DNA position 4905, G replaced by A.
Protein change: p.Gly1635=; no amino-acid change (glycine 1635 retained).
Molecular consequence: synonymous variant.
Genome position (GRCh38, 1-based): chr5:112,840,499, G>A. VCF-style: chr5-112840499-G-A. GRCh37 (hg19) VCF-style: chr5-112176196-G-A.
Other names: p.G1635G:GGG>GGA; c.4905G>A, p.Gly1635= (NM_001127510.3, NM_001354895.2); c.4851G>A, p.Gly1617= (NM_001127511.3); c.4959G>A, p.Gly1653= (NM_001354896.2); c.4935G>A, p.Gly1645= (NM_001354897.2); c.4830G>A, p.Gly1610= (NM_001354898.2); c.4821G>A, p.Gly1607= (NM_001354899.2); c.4782G>A, p.Gly1594= (NM_001354900.2); and 6 more.
Identifiers: ClinVar variation 135704 (VCV000135704.71), dbSNP rs137988845, ClinGen allele CA009791.